The following is an entry in ClinVar:

ClinVar aggregate classification (germline): Conflicting classifications of pathogenicity. Review status: criteria provided, conflicting classifications (1 of 4 stars). 8 submissions from 8 submitters: Uncertain significance (2); Likely benign (4). 2 of the submissions do not count toward it. Last evaluated 2026-01-25.

Conditions:
Nemaline myopathy 2 (NEM2). Also called: Nemaline myopathy 2, autosomal recessive. Identifiers: MedGen C1850569, MONDO:0009725, OMIM 256030.
Arthrogryposis multiplex congenita 6. Identifiers: MedGen C5543431, MONDO:0030281, OMIM 619334.
NEB-related disorder. Also called: NEB-related condition; NEB-Related Disorders.

Allele frequency attached by ClinVar (database versions not stated): gnomAD 0.00023 and 0.00039; TOPMed 0.00040; gnomAD exomes 0.00045 and 0.00056; ExAC 0.00052; 1000 Genomes Project 30x 0.00141; 1000 Genomes Project 0.00160.
gnomAD v4.1: 699 of 1,596,032 alleles (0.044%); highest among the groups gnomAD compares: East Asian, 1.4%; 4 homozygotes.

Submissions (8):

Labcorp Genetics (formerly Invitae), Labcorp
Classification: Likely benign for Nemaline myopathy 2. Last evaluated: 2026-01-25. Review status: criteria provided, single submitter. Criteria: Invitae Variant Classification Sherloc (09022015). Collection method: clinical testing. Allele origin: germline.

Blueprint Genetics
Classification: Likely benign. Last evaluated: 2024-11-08. Review status: criteria provided, single submitter. Criteria: ACMG Guidelines, 2015. Collection method: clinical testing. Allele origin: germline.

CeGaT Center for Human Genetics Tuebingen
Classification: Likely benign. Last evaluated: 2022-06-01. Review status: criteria provided, single submitter. Criteria: CeGaT Center For Human Genetics Tuebingen Variant Classification Criteria Version 2. Collection method: clinical testing. Allele origin: germline. Affected: yes. Observed: 1 variant allele.
Comment: NEB: BP4

Department of Pathology and Laboratory Medicine, Sinai Health System
Classification: Uncertain significance for Nemaline myopathy 2; Arthrogryposis multiplex congenita 6. Last evaluated: 2021-11-12. Review status: criteria provided, single submitter. Criteria: ACMG Guidelines, 2015. Collection method: research. Allele origin: germline.

GeneDx
Classification: Likely benign. Last evaluated: 2019-05-30. Review status: criteria provided, single submitter. Criteria: GeneDx Variant Classification Process June 2021. Collection method: clinical testing. Allele origin: germline. Affected: yes.

Illumina Laboratory Services, Illumina
Classification: Uncertain significance for Nemaline myopathy 2. Last evaluated: 2018-01-12. Review status: criteria provided, single submitter. Criteria: ICSL Variant Classification Criteria 13 December 2019. Collection method: clinical testing. Allele origin: germline.

PreventionGenetics, part of Exact Sciences
Classification: Likely benign for NEB-related condition. Last evaluated: 2020-09-23. Review status: no assertion criteria provided. Collection method: clinical testing. Allele origin: germline. Not counted in ClinVar's aggregate classification.
Comment: This variant is classified as likely benign based on ACMG/AMP sequence variant interpretation guidelines (Richards et al. 2015 PMID: 25741868, with internal and published modifications).

Natera, Inc.
Classification: Uncertain significance for Nemaline myopathy type 2. Last evaluated: 2020-01-06. Review status: no assertion criteria provided. Collection method: clinical testing. Allele origin: germline. Not counted in ClinVar's aggregate classification.

NM_001164508.2(NEB):c.1899A>T (p.Arg633Ser)

Gene: NEB (nebulin; minus strand). Cytogenetic location: 2q23.3.
Variant type: single nucleotide variant.
Coding change: c.1899A>T on transcript NM_001164508.2 (MANE Select); coding-DNA position 1899, A replaced by T.
Protein change: p.Arg633Ser; replaces arginine 633 with serine.
Molecular consequence: missense variant.
Genome position (GRCh38, 1-based): chr2:151,692,360, T>A on the plus strand (A>T on the coding strand, the complement: NEB is on the minus strand). VCF-style: chr2-151692360-T-A. GRCh37 (hg19) VCF-style: chr2-152548874-T-A.
Other names: c.1899A>T, p.Arg633Ser (NM_001164507.2, NM_001271208.2, NM_004543.5); short protein forms R633S.
Identifiers: ClinVar variation 331532 (VCV000331532.47), dbSNP rs77826191, ClinGen allele CA1911395.